The following is an entry in ClinVar:

ClinVar aggregate classification (germline): Uncertain significance (1 of 4 stars; one submission).

Conditions:
Hyperkalemic periodic paralysis. Also called: Familial hyperkalemic periodic paralysis; Gamstorp disease. Identifiers: Orphanet 682, MedGen C0238357, MONDO:0008224, OMIM 170500, HP:0007215.

Allele frequency attached by ClinVar (database versions not stated): ExAC 0.00001; gnomAD exomes 0.00001; gnomAD 0.00006; TOPMed 0.00006.
gnomAD v4.1: 15 of 1,613,834 alleles (0.00093%); highest among the groups gnomAD compares: African/African-American, 0.02%; no homozygotes.

Submission:

Labcorp Genetics (formerly Invitae), Labcorp
Classification: Uncertain significance for Hyperkalemic periodic paralysis. Last evaluated: 2024-09-16. Review status: criteria provided, single submitter. Criteria: Invitae Variant Classification Sherloc (09022015). Collection method: clinical testing. Allele origin: germline.
Comment: This sequence change replaces tyrosine, which is neutral and polar, with phenylalanine, which is neutral and non-polar, at codon 1074 of the SCN4A protein (p.Tyr1074Phe). This variant is present in population databases (rs753318973, gnomAD 0.02%). This variant has not been reported in the literature in individuals affected with SCN4A-related conditions. ClinVar contains an entry for this variant (Variation ID: 947257). Invitae Evidence Modeling of protein sequence and biophysical properties (such as structural, functional, and spatial information, amino acid conservation, physicochemical variation, residue mobility, and thermodynamic stability) indicates that this missense variant is not expected to disrupt SCN4A protein function with a negative predictive value of 80%. In summary, the available evidence is currently insufficient to determine the role of this variant in disease. Therefore, it has been classified as a Variant of Uncertain Significance.

NM_000334.4(SCN4A):c.3221A>T (p.Tyr1074Phe)

Genes: GH-LCR (growth hormone locus control region; plus strand), SCN4A (sodium voltage-gated channel alpha subunit 4; minus strand). Cytogenetic location: 17q23.3.
Variant type: single nucleotide variant.
Coding change: c.3221A>T on transcript NM_000334.4 (MANE Select); coding-DNA position 3221, A replaced by T.
Protein change: p.Tyr1074Phe; replaces tyrosine 1074 with phenylalanine.
Molecular consequence: missense variant.
Genome position (GRCh38, 1-based): chr17:63,947,987, T>A on the plus strand (A>T on the coding strand, the complement: SCN4A is on the minus strand). VCF-style: chr17-63947987-T-A. GRCh37 (hg19) VCF-style: chr17-62025347-T-A.
Other names: short protein forms Y1074F.
Identifiers: ClinVar variation 947257 (VCV000947257.10), dbSNP rs753318973, ClinGen allele CA8709344.